The following is an entry in ClinVar:

ClinVar aggregate classification (germline): Uncertain significance. Review status: criteria provided, multiple submitters, no conflicts (2 of 4 stars). 2 submissions from 2 submitters: Uncertain significance (2). Last evaluated 2025-11-05.

Conditions:
Hereditary cancer-predisposing syndrome. Also called: Neoplastic Syndromes, Hereditary; Tumor predisposition; Hereditary Cancer Syndrome; Hereditary neoplastic syndrome. Identifiers: Orphanet 140162, MedGen C0027672, MeSH D009386, MONDO:0015356.
Familial adenomatous polyposis 1 (FAP1). Also called: FAMILIAL ADENOMATOUS POLYPOSIS 1, ATTENUATED; POLYPOSIS, ADENOMATOUS INTESTINAL. Identifiers: MedGen C2713442, MONDO:0021056, OMIM 175100. Disease mechanism: loss of function.

Allele frequency attached by ClinVar (database versions not stated): gnomAD exomes below 0.00001.
gnomAD v4.1: 1 of 1,613,878 alleles (0.000062%); highest among the groups gnomAD compares: Non-Finnish European, 0.000085%; no homozygotes.

Submissions (2):

Labcorp Genetics (formerly Invitae), Labcorp
Classification: Uncertain significance for Familial adenomatous polyposis 1. Last evaluated: 2025-11-05. Review status: criteria provided, single submitter. Criteria: Invitae Variant Classification Sherloc (09022015). Collection method: clinical testing. Allele origin: germline.
Comment: This sequence change replaces glutamic acid, which is acidic and polar, with valine, which is neutral and non-polar, at codon 2415 of the APC protein (p.Glu2415Val). This variant is not present in population databases (gnomAD no frequency). This variant has not been reported in the literature in individuals affected with APC-related conditions. ClinVar contains an entry for this variant (Variation ID: 1757882). Invitae Evidence Modeling of protein sequence and biophysical properties (such as structural, functional, and spatial information, amino acid conservation, physicochemical variation, residue mobility, and thermodynamic stability) indicates that this missense variant is not expected to disrupt APC protein function with a negative predictive value of 95%. In summary, the available evidence is currently insufficient to determine the role of this variant in disease. Therefore, it has been classified as a Variant of Uncertain Significance.

Ambry Genetics
Classification: Uncertain significance for Hereditary cancer-predisposing syndrome. Last evaluated: 2024-08-30. Review status: criteria provided, single submitter. Criteria: Ambry Variant Classification Scheme 2023. Collection method: clinical testing. Allele origin: germline.
Comment: The p.E2415V variant (also known as c.7244A>T), located in coding exon 15 of the APC gene, results from an A to T substitution at nucleotide position 7244. The glutamic acid at codon 2415 is replaced by valine, an amino acid with dissimilar properties. Missense alterations in APC are not a common cause of disease (Spier I et al. Genet Med. 2024 Feb;26(2):100992). This amino acid position is well conserved in available vertebrate species. In addition, in silico predictors for this gene do not accurately predict pathogenicity. Based on the available evidence, the clinical significance of this variant remains unclear.

NM_000038.6(APC):c.7244A>T (p.Glu2415Val)

Gene: APC (APC regulator of Wnt signaling pathway; plus strand). Cytogenetic location: 5q22.2.
Variant type: single nucleotide variant.
Coding change: c.7244A>T on transcript NM_000038.6 (MANE Select); coding-DNA position 7244, A replaced by T.
Protein change: p.Glu2415Val; replaces glutamic acid 2415 with valine.
Molecular consequence: missense variant.
Genome position (GRCh38, 1-based): chr5:112,842,838, A>T. VCF-style: chr5-112842838-A-T. GRCh37 (hg19) VCF-style: chr5-112178535-A-T.
Other names: c.6395A>T, p.Glu2132Val (NM_001354906.2, NM_001407470.1); c.7328A>T, p.Glu2443Val (NM_001407446.1); c.7298A>T, p.Glu2433Val (NM_001407447.1, NM_001407448.1, NM_001407449.1 and 1 more transcripts); c.7244A>T, p.Glu2415Val (NM_001407450.1, NM_001127510.3, NM_001354895.2); c.7223A>T, p.Glu2408Val (NM_001407451.1); c.7214A>T, p.Glu2405Val (NM_001407452.1); c.7067A>T, p.Glu2356Val (NM_001407453.1, NM_001354901.2); c.6995A>T, p.Glu2332Val (NM_001407454.1, NM_001407455.1, NM_001407456.1 and 1 more transcripts); and 11 more; short protein forms E2405V, E2031V, E2286V, E2314V, E2356V, E2390V, E2132V, E2289V.
Identifiers: ClinVar variation 1757882 (VCV001757882.8), dbSNP rs1561613976, ClinGen allele CA16037112.